The following is an entry in ClinVar:

NC_000006.11:g.(?_51824648)_(51824844_?)del

Gene: PKHD1 (PKHD1 ciliary IPT domain containing fibrocystin/polyductin; minus strand). Cytogenetic location: 6p12.2.
Variant type: Deletion.
Identifiers: ClinVar variation 3245959 (VCV003245959.1).

ClinVar aggregate classification (germline): Pathogenic (1 of 4 stars; one submission).

Conditions:
Autosomal recessive polycystic kidney disease (ARPKD). Also called: AR polycystic kidney disease. Identifiers: Orphanet 731, Orphanet 8378, MedGen C0085548, MeSH D017044, MONDO:0009889.

Submission:

Labcorp Genetics (formerly Invitae), Labcorp
Classification: Pathogenic for Autosomal recessive polycystic kidney disease. Last evaluated: 2023-05-23. Review status: criteria provided, single submitter. Criteria: Invitae Variant Classification Sherloc (09022015). Collection method: clinical testing. Allele origin: unknown.
Comment: This variant is a gross deletion of the genomic region encompassing exon(s) 36 of the PKHD1 gene. This deletion is out-of-frame, and is expected to create a premature termination codon and result in an absent or disrupted protein product. Loss-of-function variants in PKHD1 are known to be pathogenic (PMID: 19940839). A similar copy number variant has been observed in individual(s) with polycystic kidney disease (PMID: 33940108). For these reasons, this variant has been classified as Pathogenic.

Literature cited by the submitters: PubMed 19940839; PubMed 33940108.